The following is an entry in ClinVar:

NM_001099415.3(POM121C):c.2340G>A (p.Thr780=)

Gene: POM121C (POM121 transmembrane nucleoporin C; minus strand). Cytogenetic location: 7q11.23.
Variant type: single nucleotide variant.
Coding change: c.2340G>A on transcript NM_001099415.3 (MANE Select); coding-DNA position 2340, G replaced by A.
Protein change: p.Thr780=; no amino-acid change (threonine 780 retained).
Molecular consequence: synonymous variant.
Genome position (GRCh38, 1-based): chr7:75,421,912, C>T on the plus strand (G>A on the coding strand, the complement: POM121C is on the minus strand). VCF-style: chr7-75421912-C-T. GRCh37 (hg19) VCF-style: chr7-75051195-C-T.
Identifiers: ClinVar variation 2657609 (VCV002657609.24), dbSNP rs369777996, ClinGen allele CA4300434.

ClinVar aggregate classification (germline): Likely benign (1 of 4 stars; one submission).

Allele frequency attached by ClinVar (database versions not stated): ESP Exome Variant Server 0.00069; gnomAD 0.00102; TOPMed 0.00117; 1000 Genomes Project 0.00120; 1000 Genomes Project 30x 0.00141; ExAC 0.00155.
gnomAD v4.1: 1,872 of 1,613,146 alleles (0.12%); highest among the groups gnomAD compares: Middle Eastern, 2.1%; 9 homozygotes.

Submission:

CeGaT Center for Human Genetics Tuebingen
Classification: Likely benign. Last evaluated: 2022-12-01. Review status: criteria provided, single submitter. Criteria: CeGaT Center For Human Genetics Tuebingen Variant Classification Criteria Version 2. Collection method: clinical testing. Allele origin: germline. Affected: yes. Observed: 2 variant alleles.
Comment: POM121C: BP4, BP7